The following is an entry in ClinVar:

NM_022552.5(DNMT3A):c.862C>T (p.Arg288Trp)

Gene: DNMT3A (DNA methyltransferase 3 alpha; minus strand). Cytogenetic location: 2p23.3.
Variant type: single nucleotide variant.
Coding change: c.862C>T on transcript NM_022552.5 (MANE Select); coding-DNA position 862, C replaced by T.
Protein change: p.Arg288Trp; replaces arginine 288 with tryptophan.
Molecular consequence: missense variant. On other transcripts: non-coding transcript variant (1).
Genome position (GRCh38, 1-based): chr2:25,247,743, G>A on the plus strand (C>T on the coding strand, the complement: DNMT3A is on the minus strand). VCF-style: chr2-25247743-G-A. GRCh37 (hg19) VCF-style: chr2-25470612-G-A.
Other names: c.406C>T, p.Arg136Trp (NM_001320893.1); c.193C>T, p.Arg65Trp (NM_001375819.1); c.295C>T, p.Arg99Trp (NM_153759.3); c.862C>T, p.Arg288Trp (NM_175629.2); short protein forms R288W, R65W, R99W, R136W.
Identifiers: ClinVar variation 1315711 (VCV001315711.3), dbSNP rs770884084, ClinGen allele CA1556260.

ClinVar aggregate classification (germline): Uncertain significance. Review status: criteria provided, single submitter (1 of 4 stars). 2 submissions from 2 submitters: Uncertain significance (1). 1 of the submissions does not count toward it. Last evaluated 2019-02-12.

Conditions:
DNMT3A-related disorder. Also called: DNMT3A-related condition; DNMT3A-related disorders.

Allele frequency attached by ClinVar (database versions not stated): ExAC 0.00001; TOPMed 0.00001.
gnomAD v4.1: 4 of 1,612,060 alleles (0.00025%); highest among the groups gnomAD compares: Admixed American, 0.0017%; no homozygotes.

Submissions (2):

GeneDx
Classification: Uncertain significance. Last evaluated: 2019-02-12. Review status: criteria provided, single submitter. Criteria: GeneDx Variant Classification Process June 2021. Collection method: clinical testing. Allele origin: germline. Affected: yes.
Comment: In silico analysis, which includes protein predictors and evolutionary conservation, supports a deleterious effect; Has not been previously published as pathogenic or benign to our knowledge

PreventionGenetics, part of Exact Sciences
Classification: Uncertain significance for DNMT3A-related condition. Last evaluated: 2024-03-06. Review status: no assertion criteria provided. Collection method: clinical testing. Allele origin: germline. Not counted in ClinVar's aggregate classification.
Comment: The DNMT3A c.862C>T variant is predicted to result in the amino acid substitution p.Arg288Trp. To our knowledge, this variant has not been reported in the literature. This variant is reported in 0.0062% of alleles in individuals of African descent in gnomAD. At this time, the clinical significance of this variant is uncertain due to the absence of conclusive functional and genetic evidence.